The following is an entry in ClinVar:

ClinVar aggregate classification (germline): Uncertain significance. Review status: criteria provided, multiple submitters, no conflicts (2 of 4 stars). 2 submissions from 2 submitters: Uncertain significance (2). Last evaluated 2025-03-24.

Conditions:
Inborn genetic diseases. Identifiers: MedGen C0950123, MeSH D030342.

Allele frequency attached by ClinVar (database versions not stated): gnomAD exomes below 0.00001.
gnomAD v4.1: 2 of 1,609,948 alleles (0.00012%); highest among the groups gnomAD compares: Non-Finnish European, 0.00017%; no homozygotes.

Submissions (2):

Ambry Genetics
Classification: Uncertain significance for Inborn genetic diseases. Last evaluated: 2025-03-24. Review status: criteria provided, single submitter. Criteria: Ambry Variant Classification Scheme 2023. Collection method: clinical testing. Allele origin: germline.
Comment: The p.G15E variant (also known as c.44G>A), located in coding exon 1 of the MBD4 gene, results from a G to A substitution at nucleotide position 44. The glycine at codon 15 is replaced by glutamic acid, an amino acid with similar properties. This amino acid position is conserved. In addition, this alteration is predicted to be tolerated by in silico analysis. Based on the available evidence, the clinical significance of this variant remains unclear.

Labcorp Genetics (formerly Invitae), Labcorp
Classification: Uncertain significance. Last evaluated: 2023-09-10. Review status: criteria provided, single submitter. Criteria: Invitae Variant Classification Sherloc (09022015). Collection method: clinical testing. Allele origin: germline.
Comment: This sequence change replaces glycine, which is neutral and non-polar, with glutamic acid, which is acidic and polar, at codon 15 of the MBD4 protein (p.Gly15Glu). This variant is not present in population databases (gnomAD no frequency). This variant has not been reported in the literature in individuals affected with MBD4-related conditions. Algorithms developed to predict the effect of missense changes on protein structure and function output the following: SIFT: "Not Available"; PolyPhen-2: "Benign"; Align-GVGD: "Not Available". The glutamic acid amino acid residue is found in multiple mammalian species, which suggests that this missense change does not adversely affect protein function. In summary, the available evidence is currently insufficient to determine the role of this variant in disease. Therefore, it has been classified as a Variant of Uncertain Significance.

NM_001276270.2(MBD4):c.44G>A (p.Gly15Glu)

Genes: MBD4 (methyl-CpG binding domain 4, DNA glycosylase; minus strand), LOC129937550 (ATAC-STARR-seq lymphoblastoid active region 20512; plus strand). Cytogenetic location: 3q21.3.
Variant type: single nucleotide variant.
Coding change: c.44G>A on transcript NM_001276270.2 (MANE Select); coding-DNA position 44, G replaced by A.
Protein change: p.Gly15Glu; replaces glycine 15 with glutamic acid.
Molecular consequence: missense variant.
Genome position (GRCh38, 1-based): chr3:129,439,790, C>T on the plus strand (G>A on the coding strand, the complement: MBD4 is on the minus strand). VCF-style: chr3-129439790-C-T. GRCh37 (hg19) VCF-style: chr3-129158633-C-T.
Other names: c.44G>A, p.Gly15Glu (NM_001276271.2, NM_001276272.2, NM_001276273.2 and 1 more transcripts); short protein forms G15E.
Identifiers: ClinVar variation 2759814 (VCV002759814.4), dbSNP rs2530758914, ClinGen allele CA354468925.